The following is an entry in ClinVar:

ClinVar aggregate classification (germline): Likely benign (1 of 4 stars; one submission).

Allele frequency attached by ClinVar (database versions not stated): 1000 Genomes Project 30x 0.00125; 1000 Genomes Project 0.00140; gnomAD 0.00206; ESP Exome Variant Server 0.00269.
gnomAD v4.1: 4,017 of 1,614,248 alleles (0.25%); highest among the groups gnomAD compares: Non-Finnish European, 0.3%; 13 homozygotes.

Submission:

CeGaT Center for Human Genetics Tuebingen
Classification: Likely benign. Last evaluated: 2024-06-01. Review status: criteria provided, single submitter. Criteria: CeGaT Center For Human Genetics Tuebingen Variant Classification Criteria Version 2. Collection method: clinical testing. Allele origin: germline. Affected: yes. Observed: 2 variant alleles.
Comment: ATPAF1: BP4, BP7

NM_001394565.1(ATPAF1):c.879C>G (p.Thr293=)

Gene: ATPAF1 (ATP synthase mitochondrial F1 complex assembly factor 1; minus strand). Cytogenetic location: 1p33.
Variant type: single nucleotide variant.
Coding change: c.879C>G on transcript NM_001394565.1 (MANE Select); coding-DNA position 879, C replaced by G.
Protein change: p.Thr293=; no amino-acid change (threonine 293 retained).
Molecular consequence: synonymous variant.
Genome position (GRCh38, 1-based): chr1:46,635,884, G>C on the plus strand (C>G on the coding strand, the complement: ATPAF1 is on the minus strand). VCF-style: chr1-46635884-G-C. GRCh37 (hg19) VCF-style: chr1-47101556-G-C.
Other names: c.744C>G, p.Thr248= (NM_001042546.2); c.615C>G, p.Thr205= (NM_001243728.1); c.426C>G, p.Thr142= (NM_001256418.1); c.948C>G, p.Thr316= (NM_022745.6).
Identifiers: ClinVar variation 3024987 (VCV003024987.22), dbSNP rs139683803, ClinGen allele CA837812.